The following is an entry in ClinVar:

ClinVar aggregate classification (germline): Uncertain significance. Review status: criteria provided, multiple submitters, no conflicts (2 of 4 stars). 2 submissions from 2 submitters: Uncertain significance (2). Last evaluated 2025-12-05.

Conditions:
Frontometaphyseal dysplasia (FMD1). Identifiers: Orphanet 1826, MedGen C0265293, MONDO:0015942.
Heterotopia, periventricular, X-linked dominant (PVNH1). Also called: PERIVENTRICULAR NODULAR HETEROTOPIA 1; X-linked periventricular heterotopia; PERIVENTRICULAR NODULAR HETEROTOPIA 4; HETEROTOPIA, PERIVENTRICULAR, 1. Identifiers: Orphanet 2149, Orphanet 82004, MedGen C1848213, MONDO:0010233, OMIM 300049.
Melnick-Needles syndrome (MNS). Also called: Melnick-Needles Syndrome (FLNA-MNS); MELNICK-NEEDLES OSTEODYSPLASTY; OSTEODYSPLASTY OF MELNICK AND NEEDLES. Identifiers: Orphanet 2484, MedGen C0025237, MONDO:0010650, OMIM 309350.
Oto-palato-digital syndrome, type II (OPD2). Also called: Otopalatodigital Syndrome, Type II; FACIOPALATOOSSEOUS SYNDROME; Otopalatodigital Syndrome Type 2 (FLNA-OPD2); OPD II SYNDROME. Identifiers: Orphanet 669, Orphanet 90652, MedGen C1844696, MONDO:0010571, OMIM 304120.
FLNA-related disorder.

gnomAD v4.1: 1 of 1,207,785 alleles (0.000083%); highest among the groups gnomAD compares: African/African-American, 0.0018%; no homozygotes.

Submissions (2):

PreventionGenetics, part of Exact Sciences
Classification: Uncertain significance for FLNA-related condition. Last evaluated: 2025-12-05. Review status: criteria provided, single submitter. Criteria: ACMG Guidelines, 2015. Collection method: clinical testing. Allele origin: germline.
Comment: The FLNA c.3194C>G variant is predicted to result in the amino acid substitution p.Thr1065Ser. To our knowledge, this variant has not been reported in the literature or in a large population database (gnomAD), indicating this variant is rare. At this time, the clinical significance of this variant is uncertain due to the absence of conclusive functional and genetic evidence.

Labcorp Genetics (formerly Invitae), Labcorp
Classification: Uncertain significance for Oto-palato-digital syndrome, type II; Heterotopia, periventricular, X-linked dominant; Frontometaphyseal dysplasia; Melnick-Needles syndrome. Last evaluated: 2025-04-17. Review status: criteria provided, single submitter. Criteria: Invitae Variant Classification Sherloc (09022015). Collection method: clinical testing. Allele origin: germline.
Comment: This sequence change replaces threonine, which is neutral and polar, with serine, which is neutral and polar, at codon 1065 of the FLNA protein (p.Thr1065Ser). This variant is not present in population databases (gnomAD no frequency). This variant has not been reported in the literature in individuals affected with FLNA-related conditions. Invitae Evidence Modeling of protein sequence and biophysical properties (such as structural, functional, and spatial information, amino acid conservation, physicochemical variation, residue mobility, and thermodynamic stability) indicates that this missense variant is not expected to disrupt FLNA protein function with a negative predictive value of 95%. In summary, the available evidence is currently insufficient to determine the role of this variant in disease. Therefore, it has been classified as a Variant of Uncertain Significance.

NM_001110556.2(FLNA):c.3194C>G (p.Thr1065Ser)

Gene: FLNA (filamin A; minus strand). Cytogenetic location: Xq28.
Variant type: single nucleotide variant.
Coding change: c.3194C>G on transcript NM_001110556.2 (MANE Select); coding-DNA position 3194, C replaced by G.
Protein change: p.Thr1065Ser; replaces threonine 1065 with serine.
Molecular consequence: missense variant.
Genome position (GRCh38, 1-based): chrX:154,361,321, G>C on the plus strand (C>G on the coding strand, the complement: FLNA is on the minus strand). VCF-style: chrX-154361321-G-C. GRCh37 (hg19) VCF-style: chrX-153589689-G-C.
Other names: c.3194C>G (NM_001110556.1); c.3194C>G, p.Thr1065Ser (NM_001456.4); short protein forms T1065S.
Identifiers: ClinVar variation 4793259 (VCV004793259.2).